The following is an entry in ClinVar:

NM_004836.7(EIF2AK3):c.247G>A (p.Gly83Arg)

Gene: EIF2AK3 (eukaryotic translation initiation factor 2 alpha kinase 3; minus strand). Cytogenetic location: 2p11.2.
Variant type: single nucleotide variant.
Coding change: c.247G>A on transcript NM_004836.7 (MANE Select); coding-DNA position 247, G replaced by A.
Protein change: p.Gly83Arg; replaces glycine 83 with arginine.
Molecular consequence: missense variant.
Genome position (GRCh38, 1-based): chr2:88,627,028, C>T on the plus strand (G>A on the coding strand, the complement: EIF2AK3 is on the minus strand). VCF-style: chr2-88627028-C-T. GRCh37 (hg19) VCF-style: chr2-88926546-C-T.
Other names: short protein forms G83R.
Identifiers: ClinVar variation 1370210 (VCV001370210.3), dbSNP rs1675881879, ClinGen allele CA347763195.

ClinVar aggregate classification (germline): Uncertain significance (1 of 4 stars; one submission).

Allele frequency attached by ClinVar (database versions not stated): TOPMed 0.00001; gnomAD exomes 0.00002.
gnomAD v4.1: 28 of 1,604,116 alleles (0.0017%); highest among the groups gnomAD compares: Non-Finnish European, 0.0021%; no homozygotes.

Submission:

Labcorp Genetics (formerly Invitae), Labcorp
Classification: Uncertain significance. Last evaluated: 2021-12-01. Review status: criteria provided, single submitter. Criteria: Invitae Variant Classification Sherloc (09022015). Collection method: clinical testing. Allele origin: germline.
Comment: This sequence change replaces glycine, which is neutral and non-polar, with arginine, which is basic and polar, at codon 83 of the EIF2AK3 protein (p.Gly83Arg). This variant is not present in population databases (gnomAD no frequency). This variant has not been reported in the literature in individuals affected with EIF2AK3-related conditions. Algorithms developed to predict the effect of missense changes on protein structure and function (SIFT, PolyPhen-2, Align-GVGD) all suggest that this variant is likely to be tolerated. In summary, the available evidence is currently insufficient to determine the role of this variant in disease. Therefore, it has been classified as a Variant of Uncertain Significance.